The following is an entry in ClinVar:

ClinVar aggregate classification (germline): Uncertain significance (1 of 4 stars; one submission).

Conditions:
Achondrogenesis, type IA (ACG1A). Identifiers: Orphanet 932, Orphanet 93299, MedGen C0265273, MONDO:0008701, OMIM 200600.

Submission:

Labcorp Genetics (formerly Invitae), Labcorp
Classification: Uncertain significance for Achondrogenesis, type IA. Last evaluated: 2022-08-31. Review status: criteria provided, single submitter. Criteria: Invitae Variant Classification Sherloc (09022015). Collection method: clinical testing. Allele origin: germline.
Comment: In summary, the available evidence is currently insufficient to determine the role of this variant in disease. Therefore, it has been classified as a Variant of Uncertain Significance. Algorithms developed to predict the effect of missense changes on protein structure and function output the following: SIFT: "Not Available"; PolyPhen-2: "Benign"; Align-GVGD: "Not Available". The asparagine amino acid residue is found in multiple mammalian species, which suggests that this missense change does not adversely affect protein function. This variant has not been reported in the literature in individuals affected with TRIP11-related conditions. This variant is not present in population databases (gnomAD no frequency). This sequence change replaces lysine, which is basic and polar, with asparagine, which is neutral and polar, at codon 540 of the TRIP11 protein (p.Lys540Asn).

NM_004239.4(TRIP11):c.1620A>C (p.Lys540Asn)

Gene: TRIP11 (thyroid hormone receptor interactor 11; minus strand). Cytogenetic location: 14q32.12.
Variant type: single nucleotide variant.
Coding change: c.1620A>C on transcript NM_004239.4 (MANE Select); coding-DNA position 1620, A replaced by C.
Protein change: p.Lys540Asn; replaces lysine 540 with asparagine.
Molecular consequence: missense variant.
Genome position (GRCh38, 1-based): chr14:92,006,356, T>G on the plus strand (A>C on the coding strand, the complement: TRIP11 is on the minus strand). VCF-style: chr14-92006356-T-G. GRCh37 (hg19) VCF-style: chr14-92472700-T-G.
Other names: c.1617A>C, p.Lys539Asn (NM_001321851.1); short protein forms K539N, K540N.
Identifiers: ClinVar variation 2046923 (VCV002046923.4), dbSNP rs777050147, ClinGen allele CA390660525.